The following is an entry in ClinVar:

NM_000089.4(COL1A2):c.1863G>A (p.Lys621=)

Gene: COL1A2 (collagen type I alpha 2 chain; plus strand). Cytogenetic location: 7q21.3.
Variant type: single nucleotide variant.
Coding change: c.1863G>A on transcript NM_000089.4 (MANE Select); coding-DNA position 1863, G replaced by A.
Protein change: p.Lys621=; no amino-acid change (lysine 621 retained).
Molecular consequence: synonymous variant.
Genome position (GRCh38, 1-based): chr7:94,416,503, G>A. VCF-style: chr7-94416503-G-A. GRCh37 (hg19) VCF-style: chr7-94045815-G-A.
Identifiers: ClinVar variation 2925412 (VCV002925412.3), dbSNP rs2115917320, ClinGen allele CA456489105.
Genomic context (GRCh38, chr7:94,416,503, plus strand): 5'-TCCTACTGGTCCTATTGGAAGCCGAGGTCCTTCTGGACCCCCAGGGCCTGATGGAAACAA[G>A]GTAAAATCTTATGTTTTCTATATTGCTGGTTTGGCCCAGTCTGCCTGGAATAAGTAGACC-3'
Protein context (NP_000080.2, residues 611-631): PSGPPGPDGN[Lys621=]GEPGVVGAVG

ClinVar aggregate classification (germline): Pathogenic (1 of 4 stars; one submission).

Conditions:
Osteogenesis imperfecta type I (OI1). Also called: Lobstein disease; OI, TYPE I; OSTEOGENESIS IMPERFECTA TARDA; OSTEOGENESIS IMPERFECTA WITH BLUE SCLERAE; Osteogenesis imperfecta type 1; Lobstein's Disease. Identifiers: Orphanet 216796, Orphanet 666, MedGen C0023931, MONDO:0008146, OMIM 166200. Disease mechanism: loss of function.
Ehlers-Danlos syndrome, classic type, 1 (EDSCL1). Also called: EDS I; EHLERS-DANLOS SYNDROME, GRAVIS TYPE; EHLERS-DANLOS SYNDROME, SEVERE CLASSIC TYPE; Ehlers-Danlos syndrome, type 1; Ehlers-Danlos Syndrome, Classic Type, COL5A1-Related. Identifiers: MedGen C0268335, MONDO:0019567, OMIM 130000.

Submission:

Labcorp Genetics (formerly Invitae), Labcorp
Classification: Pathogenic for Osteogenesis imperfecta type I; Ehlers-Danlos syndrome, classic type, 1. Last evaluated: 2023-03-23. Review status: criteria provided, single submitter. Criteria: Invitae Variant Classification Sherloc (09022015). Collection method: clinical testing. Allele origin: germline.
Comment: This sequence change affects codon 621 of the COL1A2 mRNA. It is a 'silent' change, meaning that it does not change the encoded amino acid sequence of the COL1A2 protein. This variant also falls at the last nucleotide of exon 31, which is part of the consensus splice site for this exon. This variant is not present in population databases (gnomAD no frequency). This variant has been observed in individual(s) with autosomal dominant osteogenesis imperfecta (PMID: 27761249). In at least one individual the variant was observed to be de novo. Variants that disrupt the consensus splice site are a relatively common cause of aberrant splicing (PMID: 17576681, 9536098). Algorithms developed to predict the effect of sequence changes on RNA splicing suggest that this variant is not likely to affect RNA splicing. For these reasons, this variant has been classified as Pathogenic.

Literature cited by the submitters: PubMed 27761249; PubMed 17576681; PubMed 9536098.